The following is an entry in ClinVar:

NM_004329.3(BMPR1A):c.295G>C (p.Gly99Arg)

Gene: BMPR1A (bone morphogenetic protein receptor type 1A; plus strand). Cytogenetic location: 10q23.2.
Variant type: single nucleotide variant.
Coding change: c.295G>C on transcript NM_004329.3 (MANE Select); coding-DNA position 295, G replaced by C.
Protein change: p.Gly99Arg; replaces glycine 99 with arginine.
Molecular consequence: missense variant.
Genome position (GRCh38, 1-based): chr10:86,892,191, G>C. VCF-style: chr10-86892191-G-C. GRCh37 (hg19) VCF-style: chr10-88651948-G-C.
Other names: c.295G>C, p.Gly99Arg (NM_001406559.1, NM_001406560.1, NM_001406561.1 and 23 more transcripts); c.211G>C, p.Gly71Arg (NM_001406584.1, NM_001406585.1, NM_001406586.1 and 2 more transcripts); short protein forms G71R, G99R.
Identifiers: ClinVar variation 1798157 (VCV001798157.2), dbSNP rs2539446223, ClinGen allele CA377448136.
Genomic context (GRCh38, chr10:86,892,191, plus strand): 5'-AATGGACATTGCTTTGCCATCATAGAAGAAGATGACCAGGGAGAAACCACATTAGCTTCA[G>C]GGTGTATGAAATATGAAGGATCTGATTTTCAGTGCAAAGTAAGATATAATTTGGGACCCA-3'
Protein context (NP_004320.2, residues 89-109): DDQGETTLAS[Gly99Arg]CMKYEGSDFQ

ClinVar aggregate classification (germline): Likely pathogenic (1 of 4 stars; one submission).

Conditions:
Hereditary cancer-predisposing syndrome. Also called: Neoplastic Syndromes, Hereditary; Tumor predisposition; Hereditary Cancer Syndrome; Hereditary neoplastic syndrome. Identifiers: Orphanet 140162, MedGen C0027672, MeSH D009386, MONDO:0015356.

Submission:

Ambry Genetics
Classification: Likely pathogenic for Hereditary cancer-predisposing syndrome. Last evaluated: 2021-02-10. Review status: criteria provided, single submitter. Criteria: Ambry Variant Classification Scheme 2023. Collection method: clinical testing. Allele origin: germline.
Comment: The p.G99R variant (also known as c.295G>C), located in coding exon 3 of the BMPR1A gene, results from a G to C substitution at nucleotide position 295. The glycine at codon 99 is replaced by arginine, an amino acid with dissimilar properties. This alteration has been observed in at least one individual with a personal and/or family history that is consistent with juvenile polyposis syndrome (Ambry internal data). Based on internal structural analysis, G99R is more disruptive to the structure of BMPR1A than all nearby pathogenic variants (Ambry internal data; Allendorph GP et al. Proc Natl Acad Sci U S A, 2006 May;103:7643-8; Weber D et al. BMC Struct Biol, 2007 Feb;7:6; Klages J et al. Biochemistry, 2008 Nov;47:11930-9). This variant was not reported in population-based cohorts in the Genome Aggregation Database (gnomAD). This amino acid position is highly conserved in available vertebrate species. In addition, this alteration is predicted to be deleterious by in silico analysis. Based on the majority of available evidence to date, this variant is likely to be pathogenic.

Literature cited by the submitters: PubMed 16672363; PubMed 17295905; PubMed 18937504.